The following is an entry in ClinVar:

NM_001144967.3(NEDD4L):c.572CTC[5] (p.Pro194dup)

Gene: NEDD4L (NEDD4 like E3 ubiquitin protein ligase; plus strand). Cytogenetic location: 18q21.31.
Variant type: Microsatellite.
Coding change: c.572CTC[5] on transcript NM_001144967.3 (MANE Select); five copies in a row of the 3-base unit CTC starting at c.572; the reference has four copies in a row; one copy, 3 bases duplicated.
Protein change: p.Pro194dup; duplicates proline 194.
Molecular consequence: inframe insertion.
Genome position (GRCh38, 1-based): chr18:58,325,063-58,325,065, CTC duplicated; duplicating any 3 consecutive bases within chr18:58,325,052-58,325,065 gives the same sequence; the position shown is the placement nearest the transcript's 3' end. VCF-style (leftmost placement, unchanged base first): chr18-58325051-T-TTCC. GRCh37 (hg19) VCF-style: chr18-55992283-T-TTCC.
Other names: c.209CTC[5], p.Pro73dup (NM_001144964.1, NM_001144965.2, NM_001144966.3 and 2 more transcripts); c.548CTC[5], p.Pro186dup (NM_001144968.2, NM_001144969.2); c.572CTC[5], p.Pro194dup (NM_001243960.2, NM_015277.6).
Identifiers: ClinVar variation 836942 (VCV000836942.9), dbSNP rs747010088, ClinGen allele CA8975396.
Genomic context (GRCh38, chr18:58,325,051, plus strand): 5'-CGCAGCATGGATGGGAAGTTGTTGACTCAAATGACTCGGCTTCTCAGCACCAAGAGGAAC[T>TTCC]TCCTCCTCCTCCTCTGCCTCCCGGGTGGGAAGAAAAAGTGGACAATTTAGGCCGAACTTA-3'

ClinVar aggregate classification (germline): Uncertain significance (1 of 4 stars; one submission).

Submission:

Labcorp Genetics (formerly Invitae), Labcorp
Classification: Uncertain significance. Last evaluated: 2025-06-02. Review status: criteria provided, single submitter. Criteria: Invitae Variant Classification Sherloc (09022015). Collection method: clinical testing. Allele origin: germline.
Comment: This variant, c.581_583dup, results in the insertion of 1 amino acid(s) of the NEDD4L protein (p.Pro194dup), but otherwise preserves the integrity of the reading frame. This variant is present in population databases (rs747010088, gnomAD 0.003%). This variant has not been reported in the literature in individuals affected with NEDD4L-related conditions. ClinVar contains an entry for this variant (Variation ID: 836942). Experimental studies and prediction algorithms are not available or were not evaluated, and the functional significance of this variant is currently unknown. In summary, the available evidence is currently insufficient to determine the role of this variant in disease. Therefore, it has been classified as a Variant of Uncertain Significance.